The following is an entry in ClinVar:

ClinVar aggregate classification (germline): Uncertain significance (1 of 4 stars; one submission).

Conditions:
Neuromuscular disease. Also called: Neuromuscular disorder; Neuromyopathy. Identifiers: Orphanet 68381, MedGen C0027868, MeSH D009468, MONDO:0019056.

gnomAD v4.1: 1 of 1,607,886 alleles (0.000062%); highest among the groups gnomAD compares: African/African-American, 0.0013%; no homozygotes.

Submission:

Broad Center for Mendelian Genomics, Broad Institute of MIT and Harvard
Classification: Uncertain significance for Neuromuscular disease. Last evaluated: 2024-12-10. Review status: criteria provided, single submitter. Criteria: ACMG Guidelines, 2015. Collection method: curation. Allele origin: germline. Inheritance: Autosomal recessive inheritance. Study: GREGoR Consortium.
Comment: While this gene is still lacking sufficient evidence to establish a gene-disease relationship, we believe this is a possible novel gene candidate for myopathy. Given the limited information about this gene-disease relationship, the significance of the p.Arg800Pro variant is uncertain. If you have any additional information about functional evidence or other individuals with this phenotype that also have variants in NFASC we encourage you to reach out to us.

NM_001005388.3(NFASC):c.2399G>C (p.Arg800Pro)

Gene: NFASC (neurofascin; plus strand). Cytogenetic location: 1q32.1.
Variant type: single nucleotide variant.
Coding change: c.2399G>C on transcript NM_001005388.3 (MANE Select); coding-DNA position 2399, G replaced by C.
Protein change: p.Arg800Pro; replaces arginine 800 with proline.
Molecular consequence: missense variant.
Genome position (GRCh38, 1-based): chr1:204,981,949, G>C. VCF-style: chr1-204981949-G-C. GRCh37 (hg19) VCF-style: chr1-204951077-G-C.
Other names: NM_015090.4:c.2387G>C; c.2432G>C, p.Arg811Pro (NM_001160331.2); c.2387G>C, p.Arg796Pro (NM_001160332.2, NM_001365986.1, NM_015090.4); c.2399G>C, p.Arg800Pro (NM_001378329.1); short protein forms R796P, R800P, R811P.
Identifiers: ClinVar variation 3385356 (VCV003385356.1).